The following is an entry in ClinVar:

NM_004247.4(EFTUD2):c.2125T>G (p.Trp709Gly)

Gene: EFTUD2 (elongation factor Tu GTP binding domain containing 2; minus strand). Cytogenetic location: 17q21.31.
Variant type: single nucleotide variant.
Coding change: c.2125T>G on transcript NM_004247.4 (MANE Select); coding-DNA position 2125, T replaced by G.
Protein change: p.Trp709Gly; replaces tryptophan 709 with glycine.
Molecular consequence: missense variant.
Genome position (GRCh38, 1-based): chr17:44,854,925, A>C on the plus strand (T>G on the coding strand, the complement: EFTUD2 is on the minus strand). VCF-style: chr17-44854925-A-C. GRCh37 (hg19) VCF-style: chr17-42932293-A-C.
Other names: c.2020T>G, p.Trp674Gly (NM_001142605.2); c.2125T>G, p.Trp709Gly (NM_001258353.2); c.2095T>G, p.Trp699Gly (NM_001258354.2); short protein forms W674G, W699G, W709G.
Identifiers: ClinVar variation 3767783 (VCV003767783.1).
Genomic context (GRCh38, chr17:44,854,925, plus strand): 5'-AACTGTGGCATCCCTGCCTCCTTTCGACCCTGGCGTCAGAGCCCTGTTCTCACCTGTTCC[A>C]CGTAATCTGGACCACCTCATTCTCTATGTCCTCTGCCAGGCCCTTCTCAAGAGGCTCAGC-3'
Protein context (NP_004238.3, residues 699-719): DIENEVVQIT[Trp709Gly]NRKKLGEFFQ

ClinVar aggregate classification (germline): Uncertain significance (1 of 4 stars; one submission).

Submission:

GeneDx
Classification: Uncertain significance. Last evaluated: 2024-09-05. Review status: criteria provided, single submitter. Criteria: GeneDx Variant Classification Process June 2021. Collection method: clinical testing. Allele origin: germline. Affected: yes.
Comment: Not observed at significant frequency in large population cohorts (gnomAD); In silico analysis supports that this missense variant has a deleterious effect on protein structure/function; Has not been previously published as pathogenic or benign to our knowledge